The following is an entry in ClinVar:

ClinVar aggregate classification (germline): Uncertain significance (1 of 4 stars; one submission).

Allele frequency attached by ClinVar (database versions not stated): gnomAD exomes below 0.00001.
gnomAD v4.1: 3 of 1,211,277 alleles (0.00025%); highest among the groups gnomAD compares: South Asian, 0.0035%; no homozygotes.

Submission:

Labcorp Genetics (formerly Invitae), Labcorp
Classification: Uncertain significance. Last evaluated: 2024-05-31. Review status: criteria provided, single submitter. Criteria: Invitae Variant Classification Sherloc (09022015). Collection method: clinical testing. Allele origin: germline.
Comment: This sequence change replaces tyrosine, which is neutral and polar, with cysteine, which is neutral and slightly polar, at codon 492 of the CLCN4 protein (p.Tyr492Cys). This variant is present in population databases (no rsID available, gnomAD 0.004%). This variant has not been reported in the literature in individuals affected with CLCN4-related conditions. Advanced modeling of protein sequence and biophysical properties (such as structural, functional, and spatial information, amino acid conservation, physicochemical variation, residue mobility, and thermodynamic stability) has been performed at Invitae for this missense variant, however the output from this modeling did not meet the statistical confidence thresholds required to predict the impact of this variant on CLCN4 protein function. In summary, the available evidence is currently insufficient to determine the role of this variant in disease. Therefore, it has been classified as a Variant of Uncertain Significance.

NM_001830.4(CLCN4):c.1475A>G (p.Tyr492Cys)

Gene: CLCN4 (chloride voltage-gated channel 4; plus strand). Cytogenetic location: Xp22.2.
Variant type: single nucleotide variant.
Coding change: c.1475A>G on transcript NM_001830.4 (MANE Select); coding-DNA position 1475, A replaced by G.
Protein change: p.Tyr492Cys; replaces tyrosine 492 with cysteine.
Molecular consequence: missense variant.
Genome position (GRCh38, 1-based): chrX:10,212,552, A>G. VCF-style: chrX-10212552-A-G. GRCh37 (hg19) VCF-style: chrX-10180592-A-G.
Other names: c.1193A>G, p.Tyr398Cys (NM_001256944.2); short protein forms Y398C, Y492C.
Identifiers: ClinVar variation 2996051 (VCV002996051.3), dbSNP rs1253375011, ClinGen allele CA412040895.
Genomic context (GRCh38, chrX:10,212,552, plus strand): 5'-GCATGGCTGTGGGCGCGATAGCGGGCAGGATGGTGGGAATTGGCGTGGAGCAGCTGGCCT[A>G]CCATCACCATGACTGGATCATCTTCAGGAACTGGTGCAGACCCGGTGCAGACTGTGTCAC-3'
Protein context (NP_001821.2, residues 482-502): MVGIGVEQLA[Tyr492Cys]HHHDWIIFRN